The following is an entry in ClinVar:

ClinVar aggregate classification (germline): Uncertain significance (1 of 4 stars; one submission).

Allele frequency attached by ClinVar (database versions not stated): gnomAD exomes below 0.00001; ExAC 0.00002; TOPMed 0.00002; gnomAD 0.00003.
gnomAD v4.1: 11 of 1,612,982 alleles (0.00068%); highest among the groups gnomAD compares: African/African-American, 0.012%; no homozygotes.

Submission:

Labcorp Genetics (formerly Invitae), Labcorp
Classification: Uncertain significance. Last evaluated: 2022-09-27. Review status: criteria provided, single submitter. Criteria: Invitae Variant Classification Sherloc (09022015). Collection method: clinical testing. Allele origin: germline.
Comment: The COL18A1 gene has multiple clinically relevant transcripts. This variant occurs in alternate transcript NM_030582.4, and corresponds to NM_130445.3:c.107-12307G>C in the primary transcript. This sequence change replaces glutamic acid, which is acidic and polar, with aspartic acid, which is acidic and polar, at codon 135 of the COL18A1 protein (p.Glu135Asp). This variant is present in population databases (rs766689573, gnomAD 0.02%). This variant has not been reported in the literature in individuals affected with COL18A1-related conditions. Experimental studies and prediction algorithms are not available or were not evaluated, and the functional significance of this variant is currently unknown. In summary, the available evidence is currently insufficient to determine the role of this variant in disease. Therefore, it has been classified as a Variant of Uncertain Significance.

NM_001379500.1(COL18A1):c.107-12307G>C

Gene: COL18A1 (collagen type XVIII alpha 1 chain; plus strand). Cytogenetic location: 21q22.3.
Variant type: single nucleotide variant.
Coding change: c.107-12307G>C on transcript NM_001379500.1 (MANE Select); 12307 bases into the intron before coding-DNA position 107, G replaced by C.
Molecular consequence: intron variant. On other transcripts: missense variant (2).
Genome position (GRCh38, 1-based): chr21:45,455,935, G>C. VCF-style: chr21-45455935-G-C. GRCh37 (hg19) VCF-style: chr21-46875849-G-C.
Other names: c.405G>C, p.Glu135Asp (NM_030582.4, NM_130444.3); short protein forms E135D.
Identifiers: ClinVar variation 1943864 (VCV001943864.2), dbSNP rs766689573, ClinGen allele CA10065468.